The following is an entry in ClinVar:

NM_000384.3(APOB):c.13683C>T (p.Ile4561=)

Genes: APOB (apolipoprotein B; minus strand), APOB3'MAR (APOB 3' scaffold/matrix attachment region; plus strand). Cytogenetic location: 2p24.1.
Variant type: single nucleotide variant.
Coding change: c.13683C>T on transcript NM_000384.3 (MANE Select); coding-DNA position 13683, C replaced by T.
Protein change: p.Ile4561=; no amino-acid change (isoleucine 4561 retained).
Molecular consequence: synonymous variant.
Genome position (GRCh38, 1-based): chr2:21,001,739, G>A on the plus strand (C>T on the coding strand, the complement: APOB is on the minus strand). VCF-style: chr2-21001739-G-A. GRCh37 (hg19) VCF-style: chr2-21224611-G-A.
Identifiers: ClinVar variation 1956322 (VCV001956322.6), dbSNP rs1460215471, ClinGen allele CA425341429.

ClinVar aggregate classification (germline): Likely benign. Review status: criteria provided, multiple submitters, no conflicts (2 of 4 stars). 2 submissions from 2 submitters: Likely benign (2). Last evaluated 2023-10-20.

Conditions:
Familial hypobetalipoproteinemia 1. Also called: Hypobetalipoproteinemia, normotriglyceridemic; Acanthocytosis with hypobetalipoproteinemia; APOB-Related Familial Hypobetalipoproteinemia. Identifiers: MedGen C4551990, MONDO:0014252, OMIM 615558.
Hypercholesterolemia, autosomal dominant, type B (FHCL2). Also called: APOB-Related Familial Hypercholesterolemia, Autosomal Dominant; Familial Hypercholesterolemia Type B; APOLIPOPROTEIN B-100, FAMILIAL DEFECTIVE; APOLIPOPROTEIN B-100, FAMILIAL LIGAND-DEFECTIVE; HYPERCHOLESTEROLEMIA, FAMILIAL, DUE TO LIGAND-DEFECTIVE APOLIPOPROTEIN B; Familial hypercholesterolemia 2. Identifiers: MedGen C1704417, MONDO:0007751, OMIM 144010.
Familial hypercholesterolemia. Also called: Familial hypercholesterolaemia; Familial hypercholesterolemias. Identifiers: MedGen C0020445, MONDO:0005439.

Allele frequency attached by ClinVar (database versions not stated): gnomAD 0.00001; TOPMed 0.00001.
gnomAD v4.1: 1 of 1,613,618 alleles (0.000062%); highest among the groups gnomAD compares: African/African-American, 0.0013%; no homozygotes.

Submissions (2):

GENinCode PLC
Classification: Likely benign for Familial hypercholesterolemia. Last evaluated: 2023-10-20. Review status: criteria provided, single submitter. Criteria: ACMG Guidelines, 2015. Collection method: clinical testing. Allele origin: germline.
Comment: This is a synonymous (silent) variant that is not predicted by SpliceAI to impact splicing. In addition, it occurs at a nucleotide that is not conserved. Therefore this variant has been classified as Likely Benign (BP4, BP7).

Labcorp Genetics (formerly Invitae), Labcorp
Classification: Likely benign for Familial hypobetalipoproteinemia 1; Hypercholesterolemia, autosomal dominant, type B. Last evaluated: 2021-12-24. Review status: criteria provided, single submitter. Criteria: Invitae Variant Classification Sherloc (09022015). Collection method: clinical testing. Allele origin: germline.